The following is an entry in ClinVar:

ClinVar aggregate classification (germline): Uncertain significance. Review status: criteria provided, multiple submitters, no conflicts (2 of 4 stars). 2 submissions from 2 submitters: Uncertain significance (2). Last evaluated 2026-08-10.

Conditions:
FANCM-related disorder. Also called: FANCM-related condition.
Fanconi anemia (FA). Also called: Fanconi's anemia. Identifiers: Orphanet 84, MedGen C0015625, MeSH D005199, MONDO:0019391.

Allele frequency attached by ClinVar (database versions not stated): gnomAD exomes below 0.00001 and 0.00001; ExAC 0.00002; ESP Exome Variant Server 0.00008.
gnomAD v4.1: 4 of 1,614,040 alleles (0.00025%); highest among the groups gnomAD compares: South Asian, 0.0011%; no homozygotes.

Submissions (2):

PreventionGenetics, part of Exact Sciences
Classification: Uncertain significance for FANCM-related condition. Last evaluated: 2026-08-10. Review status: criteria provided, single submitter. Criteria: ACMG Guidelines, 2015. Collection method: clinical testing. Allele origin: germline.
Comment: The FANCM c.3293A>G variant is predicted to result in the amino acid substitution p.Asn1098Ser. To our knowledge, this variant has not been reported in the literature. This variant is reported in 0.0033% of alleles in individuals of South Asian descent in gnomAD and is interpreted as variant of uncertain significance in ClinVar (Variation ID: 145031). At this time, the clinical significance of this variant is uncertain due to the absence of conclusive functional and genetic evidence.

Labcorp Genetics (formerly Invitae), Labcorp
Classification: Uncertain significance for Fanconi anemia. Last evaluated: 2025-10-06. Review status: criteria provided, single submitter. Criteria: Invitae Variant Classification Sherloc (09022015). Collection method: clinical testing. Allele origin: germline.
Comment: This sequence change replaces asparagine, which is neutral and polar, with serine, which is neutral and polar, at codon 1098 of the FANCM protein (p.Asn1098Ser). This variant is present in population databases (rs372995836, gnomAD 0.003%). This variant has not been reported in the literature in individuals affected with FANCM-related conditions. ClinVar contains an entry for this variant (Variation ID: 1450314). An algorithm developed to predict the effect of missense changes on protein structure and function outputs the following: PolyPhen-2: "Benign". The serine amino acid residue is found in multiple mammalian species, which suggests that this missense change does not adversely affect protein function. In summary, the available evidence is currently insufficient to determine the role of this variant in disease. Therefore, it has been classified as a Variant of Uncertain Significance.

NM_020937.4(FANCM):c.3293A>G (p.Asn1098Ser)

Gene: FANCM (FA complementation group M; plus strand). Cytogenetic location: 14q21.2.
Variant type: single nucleotide variant.
Coding change: c.3293A>G on transcript NM_020937.4 (MANE Select); coding-DNA position 3293, A replaced by G.
Protein change: p.Asn1098Ser; replaces asparagine 1098 with serine.
Molecular consequence: missense variant.
Genome position (GRCh38, 1-based): chr14:45,176,047, A>G. VCF-style: chr14-45176047-A-G. GRCh37 (hg19) VCF-style: chr14-45645250-A-G.
Other names: c.3215A>G, p.Asn1072Ser (NM_001308133.2); c.3293A>G (NM_020937.3); short protein forms N1072S, N1098S.
Identifiers: ClinVar variation 1450314 (VCV001450314.7), dbSNP rs372995836, ClinGen allele CA7169490.